The following is an entry in ClinVar:

NM_014975.3(MAST1):c.3807G>C (p.Lys1269Asn)

Gene: MAST1 (microtubule associated serine/threonine kinase 1; plus strand). Cytogenetic location: 19p13.13.
Variant type: single nucleotide variant.
Coding change: c.3807G>C on transcript NM_014975.3 (MANE Select); coding-DNA position 3807, G replaced by C.
Protein change: p.Lys1269Asn; replaces lysine 1269 with asparagine.
Molecular consequence: missense variant.
Genome position (GRCh38, 1-based): chr19:12,873,964, G>C. VCF-style: chr19-12873964-G-C. GRCh37 (hg19) VCF-style: chr19-12984778-G-C.
Other names: short protein forms K1269N.
Identifiers: ClinVar variation 4997406 (VCV004997406.1).

ClinVar aggregate classification (germline): Uncertain significance (1 of 4 stars; one submission).

Conditions:
MAST1-related disorder. Also called: MAST1-related condition.

Submission:

PreventionGenetics, part of Exact Sciences
Classification: Uncertain significance for MAST1-related condition. Last evaluated: 2026-09-25. Review status: criteria provided, single submitter. Criteria: ACMG Guidelines, 2015. Collection method: clinical testing. Allele origin: germline.
Comment: The MAST1 c.3807G>C variant is predicted to result in the amino acid substitution p.Lys1269Asn. To our knowledge, this variant has not been reported in the literature or in a large population database (gnomAD), indicating this variant is rare. At this time, the clinical significance of this variant is uncertain due to the absence of conclusive functional and genetic evidence.